The following is an entry in ClinVar:

ClinVar aggregate classification (germline): Pathogenic (1 of 4 stars; one submission).

Submission:

GeneDx
Classification: Pathogenic. Last evaluated: 2017-10-03. Review status: criteria provided, single submitter. Criteria: GeneDx Variant Classification (06012015). Collection method: clinical testing. Allele origin: germline. Affected: yes.
Comment: The c.77delC variant causes a frameshift starting with codon Alanine 26, changes this amino acid to a Glycine residue, and creates a premature Stop codon at position 196 of the new reading frame, denoted p.Ala26GlyfsX196. This variant is predicted to cause loss of normal protein function either through protein truncation or nonsense-mediated mRNA decay. The c.77delC variant is not observed in large population cohorts (Lek et al., 2016). We interpret c.77delC as a pathogenic variant.

NM_005515.4(MNX1):c.77del (p.Ala26fs)

Gene: MNX1 (motor neuron and pancreas homeobox 1; minus strand). Cytogenetic location: 7q36.3.
Variant type: Deletion.
Coding change: c.77del on transcript NM_005515.4 (MANE Select); coding-DNA position 77, one base deleted (C; older notation c.77delC).
Protein change: p.Ala26fs; shifts the reading frame from alanine 26.
Molecular consequence: frameshift variant.
Genome position (GRCh38, 1-based): chr7:157,010,274, G deleted on the plus strand (C on the coding strand, the reverse complement: MNX1 is on the minus strand). VCF-style (leftmost placement, unchanged base first): chr7-157010273-CG-C. GRCh37 (hg19) VCF-style: chr7-156802967-CG-C.
Other names: short protein forms A26fs.
Identifiers: ClinVar variation 449412 (VCV000449412.2), dbSNP rs1554594326, ClinGen allele CA658657744.